The following is an entry in ClinVar:

NM_181486.4(TBX5):c.1326G>A (p.Met442Ile)

Gene: TBX5 (T-box transcription factor 5; minus strand). Cytogenetic location: 12q24.21.
Variant type: single nucleotide variant.
Coding change: c.1326G>A on transcript NM_181486.4 (MANE Select); coding-DNA position 1326, G replaced by A.
Protein change: p.Met442Ile; replaces methionine 442 with isoleucine.
Molecular consequence: missense variant.
Genome position (GRCh38, 1-based): chr12:114,355,763, C>T on the plus strand (G>A on the coding strand, the complement: TBX5 is on the minus strand). VCF-style: chr12-114355763-C-T. GRCh37 (hg19) VCF-style: chr12-114793568-C-T.
Other names: c.1326G>A, p.Met442Ile (NM_000192.3); c.1176G>A, p.Met392Ile (NM_080717.4); short protein forms M442I, M392I.
Identifiers: ClinVar variation 3966312 (VCV003966312.1).

ClinVar aggregate classification (germline): Uncertain significance (1 of 4 stars; one submission).

Conditions:
Cardiovascular phenotype. Identifiers: MedGen CN230736.

Submission:

Ambry Genetics
Classification: Uncertain significance for Cardiovascular phenotype. Last evaluated: 2025-06-07. Review status: criteria provided, single submitter. Criteria: Ambry Variant Classification Scheme 2023. Collection method: clinical testing. Allele origin: germline.
Comment: The p.M442I variant (also known as c.1326G>A), located in coding exon 8 of the TBX5 gene, results from a G to A substitution at nucleotide position 1326. The methionine at codon 442 is replaced by isoleucine, an amino acid with highly similar properties. This amino acid position is conserved. In addition, this alteration is predicted to be tolerated by in silico analysis. Based on the available evidence, the clinical significance of this variant remains unclear.